The following is an entry in ClinVar:

NM_000257.4(MYH7):c.2044+5G>C

Gene: MYH7 (myosin heavy chain 7; minus strand). Cytogenetic location: 14q11.2.
Variant type: single nucleotide variant.
Coding change: c.2044+5G>C on transcript NM_000257.4 (MANE Select); 5 bases into the intron after coding-DNA position 2044, G replaced by C.
Molecular consequence: intron variant.
Genome position (GRCh38, 1-based): chr14:23,426,772, C>G on the plus strand (G>C on the coding strand, the complement: MYH7 is on the minus strand). VCF-style: chr14-23426772-C-G. GRCh37 (hg19) VCF-style: chr14-23895981-C-G.
Identifiers: ClinVar variation 925834 (VCV000925834.3), dbSNP rs1892710272, ClinGen allele CA1139663365.

ClinVar aggregate classification (germline): Uncertain significance (1 of 4 stars; one submission).

Conditions:
Cardiomyopathy (CMYO). Also called: Cardiomyopathies. Identifiers: Orphanet 167848, MedGen C0878544, MONDO:0004994, HP:0001638. Inheritance: Various modes of inheritance.

Submission:

Color Diagnostics, LLC DBA Color Health
Classification: Uncertain significance for Cardiomyopathy. Last evaluated: 2019-07-27. Review status: criteria provided, single submitter. Criteria: ACMG Guidelines, 2015. Collection method: clinical testing. Allele origin: germline.
Comment: This variant is located in intron 18 of the MYH7 gene. Computational splicing tools and conservation analyses are inconclusive regarding the impact of this variant on RNA splicing. To our knowledge, functional assays have not been performed for this variant nor has this variant been reported in individuals affected with cardiovascular disorders in the literature. This variant has not been identified in the general population by the Genome Aggregation Database (gnomAD). Available evidence is insufficient to determine the role of this variant in disease conclusively. Therefore, this variant is classified as a Variant of Uncertain Significance.